The following is an entry in ClinVar:

NM_138413.4(HOGA1):c.385G>A (p.Gly129Arg)

Gene: HOGA1 (4-hydroxy-2-oxoglutarate aldolase 1; plus strand). Cytogenetic location: 10q24.2.
Variant type: single nucleotide variant.
Coding change: c.385G>A on transcript NM_138413.4 (MANE Select); coding-DNA position 385, G replaced by A.
Protein change: p.Gly129Arg; replaces glycine 129 with arginine.
Molecular consequence: missense variant. On other transcripts: intron variant (1).
Genome position (GRCh38, 1-based): chr10:97,599,133, G>A. VCF-style: chr10-97599133-G-A. GRCh37 (hg19) VCF-style: chr10-99358890-G-A.
Other names: c.212-2724G>A (NM_001134670.2); c.385G>A (NM_138413.3); short protein forms G129R.
Identifiers: ClinVar variation 1517619 (VCV001517619.8), dbSNP rs778171847, ClinGen allele CA5634084.

ClinVar aggregate classification (germline): Conflicting classifications of pathogenicity. Review status: criteria provided, conflicting classifications (1 of 4 stars). 4 submissions from 4 submitters: Likely pathogenic (3); Uncertain significance (1). Last evaluated 2024-08-20.

Conditions:
Primary hyperoxaluria type 3. Also called: PH III. Identifiers: Orphanet 416, Orphanet 93600, MedGen C3150878, MONDO:0013327, OMIM 613616. Disease mechanism: loss of function.

Allele frequency attached by ClinVar (database versions not stated): gnomAD exomes 0.00001 and 0.00002; ExAC 0.00002; gnomAD 0.00002; TOPMed 0.00003.

Submissions (4):

Natera, Inc.
Classification: Likely pathogenic for Primary hyperoxaluria type III. Last evaluated: 2024-08-20. Review status: criteria provided, single submitter. Criteria: Natera Variant Classification Schema (03/2026). Collection method: clinical testing. Allele origin: germline.
Comment: The c.385G>A variant in HOGA1 is a missense variant predicted to cause substitution of glycine to arginine at amino acid 129. This variant is rare in the general population with a frequency below the threshold expected for the associated phenotype(s). This variant has been observed in one or more individuals affected with the associated recessive disease, as either homozygous or compound heterozygous with a second variant (PMID: 34805638). This variant has been identified in one or more affected individuals with a phenotype highly consistent with the associated gene (PMID: 34805638). Computational prediction algorithms indicate this variant is likely to affect gene or protein function. Given the available evidence, this variant is classified as Likely Pathogenic.

Fulgent Genetics
Classification: Likely pathogenic for Primary hyperoxaluria type 3. Last evaluated: 2024-05-28. Review status: criteria provided, single submitter. Criteria: ACMG Guidelines, 2015. Collection method: clinical testing. Allele origin: germline.

Rare Kidney Stone Consortium and the Mayo Clinic Hyperoxaluria Center, Mayo Clinic
Classification: Likely pathogenic for Primary hyperoxaluria type 3. Last evaluated: 2023-10-27. Review status: criteria provided, single submitter. Criteria: ACMG Guidelines, 2015. Collection method: clinical testing. Allele origin: germline. Affected: yes.
Comment: ACMG: PM2 PM3 PP3 PP4

Labcorp Genetics (formerly Invitae), Labcorp
Classification: Uncertain significance. Last evaluated: 2022-03-03. Review status: criteria provided, single submitter. Criteria: Invitae Variant Classification Sherloc (09022015). Collection method: clinical testing. Allele origin: germline.
Comment: This sequence change replaces glycine, which is neutral and non-polar, with arginine, which is basic and polar, at codon 129 of the HOGA1 protein (p.Gly129Arg). This variant is present in population databases (rs778171847, gnomAD 0.006%). This variant has not been reported in the literature in individuals affected with HOGA1-related conditions. Advanced modeling of protein sequence and biophysical properties (such as structural, functional, and spatial information, amino acid conservation, physicochemical variation, residue mobility, and thermodynamic stability) performed at Invitae indicates that this missense variant is expected to disrupt HOGA1 protein function. In summary, the available evidence is currently insufficient to determine the role of this variant in disease. Therefore, it has been classified as a Variant of Uncertain Significance.

Literature cited by the submitters: PubMed 34805638 (cited by Natera, Inc. and Rare Kidney Stone Consortium and the Mayo Clinic Hyperoxaluria Center, Mayo Clinic).